The following is an entry in ClinVar:

ClinVar aggregate classification (germline): Uncertain significance. Review status: criteria provided, multiple submitters, no conflicts (2 of 4 stars). 2 submissions from 2 submitters: Uncertain significance (2). Last evaluated 2025-09-10.

Conditions:
Combined oxidative phosphorylation deficiency 40. Identifiers: Orphanet 570491, MedGen C5394232, MONDO:0030006, OMIM 618835.

Submissions (2):

Genomic Medicine Center of Excellence, King Faisal Specialist Hospital and Research Centre
Classification: Uncertain significance for Combined oxidative phosphorylation deficiency 40. Last evaluated: 2025-09-10. Review status: criteria provided, single submitter. Criteria: ACMG Guidelines, 2015. Collection method: clinical testing. Allele origin: germline.

GeneDx
Classification: Uncertain significance. Last evaluated: 2024-06-18. Review status: criteria provided, single submitter. Criteria: GeneDx Variant Classification Process June 2021. Collection method: clinical testing. Allele origin: germline. Affected: yes.
Comment: Not observed at significant frequency in large population cohorts (gnomAD); In silico analysis supports that this missense variant has a deleterious effect on protein structure/function; Has not been previously published as pathogenic or benign to our knowledge

NM_197968.4(ZMYM2):c.3079C>T (p.Pro1027Ser)

Gene: ZMYM2 (zinc finger MYM-type containing 2; plus strand). Cytogenetic location: 13q12.11.
Variant type: single nucleotide variant.
Coding change: c.3079C>T on transcript NM_197968.4 (MANE Select); coding-DNA position 3079, C replaced by T.
Protein change: p.Pro1027Ser; replaces proline 1027 with serine.
Molecular consequence: missense variant. On other transcripts: non-coding transcript variant (1).
Genome position (GRCh38, 1-based): chr13:20,064,492, C>T. VCF-style: chr13-20064492-C-T. GRCh37 (hg19) VCF-style: chr13-20638632-C-T.
Other names: c.3079C>T, p.Pro1027Ser (NM_001190964.4, NM_001190965.4, NM_001353157.2 and 5 more transcripts); c.2884C>T, p.Pro962Ser (NM_001353161.3); c.2818C>T, p.Pro940Ser (NM_001353163.2); short protein forms P1027S, P940S, P962S.
Identifiers: ClinVar variation 3391693 (VCV003391693.2).